The following is an entry in ClinVar:

NC_000017.11:g.(?_61776395)_(61861545_?)del

Genes: BRIP1 (BRCA1 interacting DNA helicase 1; minus strand), LOC110120932 (VISTA enhancer hs778; plus strand), LOC130061360 (ATAC-STARR-seq lymphoblastoid active region 12535; plus strand). Cytogenetic location: 17q23.2.
Variant type: Deletion.
Identifiers: ClinVar variation 530389 (VCV000530389.4).

ClinVar aggregate classification (germline): Pathogenic (1 of 4 stars; one submission).

Conditions:
Fanconi anemia complementation group J. Also called: BRIP1-Related Fanconi Anemia. Identifiers: Orphanet 84, MedGen C1836860, MONDO:0012187, OMIM 609054.
Familial cancer of breast. Also called: BREAST CANCER, FAMILIAL; hereditary breast carcinoma; Hereditary breast cancer. Identifiers: Orphanet 227535, MedGen C0346153, MONDO:0016419, OMIM 114480. Disease mechanism: loss of function.

Submission:

Labcorp Genetics (formerly Invitae), Labcorp
Classification: Pathogenic for Familial cancer of breast; Fanconi anemia complementation group J. Last evaluated: 2017-11-28. Review status: criteria provided, single submitter. Criteria: Invitae Variant Classification Sherloc (09022015). Collection method: clinical testing. Allele origin: germline.
Comment: This variant has not been reported in the literature in individuals with BRIP1-related disease. This variant is a gross deletion of the genomic region encompassing exons 2-14 of the BRIP1 gene, which includes the initiator codon. The 5' end of this event is unknown as it extends beyond the assayed region for this gene and therefore may encompass additional genes. The 3' boundary is likely confined to intron 14 of the BRIP1 gene. This is expected to result in an absent or disrupted protein product. Experimental studies and prediction algorithms are not available for this variant, and the functional significance of the deleted amino acids is currently unknown. For these reasons, this variant has been classified as Pathogenic. Loss-of-function variants in BRIP1 are known to be pathogenic (PMID: 16116423, 17033622, 21964575).

Literature cited by the submitters: PubMed 16116423; PubMed 17033622; PubMed 21964575.